The following is an entry in ClinVar:

NM_003242.6(TGFBR2):c.455-303A>C

Gene: TGFBR2 (transforming growth factor beta receptor 2; plus strand). Cytogenetic location: 3p24.1.
Variant type: single nucleotide variant.
Coding change: c.455-303A>C on transcript NM_003242.6 (MANE Select); 303 bases into the intron before coding-DNA position 455, A replaced by C.
Molecular consequence: intron variant.
Genome position (GRCh38, 1-based): chr3:30,671,335, A>C. VCF-style: chr3-30671335-A-C. GRCh37 (hg19) VCF-style: chr3-30712827-A-C.
Other names: c.458-303A>C (NM_001407129.1); c.350-303A>C (NM_001407132.1, NM_001407136.1, NM_001407133.1 and 2 more transcripts); c.638-303A>C (NM_001407126.1); c.530-303A>C (NM_001024847.3); c.530-17052A>C (NM_001407139.1); c.170-303A>C (NM_001407137.1); c.563-303A>C (NM_001407127.1); c.455-303A>C (NM_001407130.1); and 2 more.
Identifiers: ClinVar variation 684003 (VCV000684003.2), dbSNP rs11466511, ClinGen allele CA71527260.

ClinVar aggregate classification (germline): Benign (1 of 4 stars; one submission).

Allele frequency attached by ClinVar (database versions not stated): 1000 Genomes Project 0.18770; 1000 Genomes Project 30x 0.19051; gnomAD 0.20380 and 0.20469; TOPMed 0.20603.
gnomAD v4.1: 31,124 of 152,018 alleles (20%); highest among the groups gnomAD compares: Admixed American, 24%; 3,391 homozygotes.

Submission:

GeneDx
Classification: Benign. Last evaluated: 2018-06-18. Review status: criteria provided, single submitter. Criteria: GeneDx Variant Classification (06012015). Collection method: clinical testing. Allele origin: germline. Affected: yes.
Comment: This variant is considered likely benign or benign based on one or more of the following criteria: it is a conservative change, it occurs at a poorly conserved position in the protein, it is predicted to be benign by multiple in silico algorithms, and/or has population frequency not consistent with disease.